The following is an entry in ClinVar:

NM_031372.4(HNRNPDL):c.287A>G (p.Gln96Arg)

Gene: HNRNPDL (heterogeneous nuclear ribonucleoprotein D like; minus strand). Cytogenetic location: 4q21.22.
Variant type: single nucleotide variant.
Coding change: c.287A>G on transcript NM_031372.4 (MANE Select); coding-DNA position 287, A replaced by G.
Protein change: p.Gln96Arg; replaces glutamine 96 with arginine.
Molecular consequence: missense variant. On other transcripts: non-coding transcript variant (1).
Genome position (GRCh38, 1-based): chr4:82,429,404, T>C on the plus strand (A>G on the coding strand, the complement: HNRNPDL is on the minus strand). VCF-style: chr4-82429404-T-C. GRCh37 (hg19) VCF-style: chr4-83350557-T-C.
Other names: c.287A>G, p.Gln96Arg (NM_001207000.1); short protein forms Q96R.
Identifiers: ClinVar variation 2194161 (VCV002194161.4), dbSNP rs768442894, ClinGen allele CA2985077.

ClinVar aggregate classification (germline): Uncertain significance (1 of 4 stars; one submission).

Conditions:
Autosomal dominant limb-girdle muscular dystrophy type 1G (LGMDD3). Also called: Limb-girdle muscular dystrophy, type 1G; MUSCULAR DYSTROPHY, LIMB-GIRDLE, AUTOSOMAL DOMINANT 3. Identifiers: Orphanet 55596, MedGen C1836765, MONDO:0012193, OMIM 609115.

Allele frequency attached by ClinVar (database versions not stated): gnomAD 0.00001; ExAC 0.00003.
gnomAD v4.1: 69 of 1,612,876 alleles (0.0043%); highest among the groups gnomAD compares: Middle Eastern, 0.016%; no homozygotes.

Submission:

Labcorp Genetics (formerly Invitae), Labcorp
Classification: Uncertain significance for Autosomal dominant limb-girdle muscular dystrophy type 1G. Last evaluated: 2023-10-03. Review status: criteria provided, single submitter. Criteria: Invitae Variant Classification Sherloc (09022015). Collection method: clinical testing. Allele origin: germline.
Comment: This sequence change replaces glutamine, which is neutral and polar, with arginine, which is basic and polar, at codon 96 of the HNRNPDL protein (p.Gln96Arg). This variant is present in population databases (rs768442894, gnomAD 0.009%). This variant has not been reported in the literature in individuals affected with HNRNPDL-related conditions. ClinVar contains an entry for this variant (Variation ID: 2194161). An algorithm developed to predict the effect of missense changes on protein structure and function (PolyPhen-2) suggests that this variant is likely to be tolerated. In summary, the available evidence is currently insufficient to determine the role of this variant in disease. Therefore, it has been classified as a Variant of Uncertain Significance.